The following is an entry in ClinVar:

NM_015311.3(OBSL1):c.892C>T (p.Arg298Cys)

Gene: OBSL1 (obscurin like cytoskeletal adaptor 1; minus strand). Cytogenetic location: 2q35.
Variant type: single nucleotide variant.
Coding change: c.892C>T on transcript NM_015311.3 (MANE Select); coding-DNA position 892, C replaced by T.
Protein change: p.Arg298Cys; replaces arginine 298 with cysteine.
Molecular consequence: missense variant.
Genome position (GRCh38, 1-based): chr2:219,570,341, G>A on the plus strand (C>T on the coding strand, the complement: OBSL1 is on the minus strand). VCF-style: chr2-219570341-G-A. GRCh37 (hg19) VCF-style: chr2-220435063-G-A.
Other names: c.892C>T (NM_015311.2); c.892C>T, p.Arg298Cys (NM_001173408.2, NM_001173431.2); short protein forms R298C.
Identifiers: ClinVar variation 2062632 (VCV002062632.26), dbSNP rs367952566, ClinGen allele CA2131708.

ClinVar aggregate classification (germline): Conflicting classifications of pathogenicity. Review status: criteria provided, conflicting classifications (1 of 4 stars). 4 submissions from 4 submitters: Uncertain significance (3); Likely benign (1). Last evaluated 2026-05-12.

Conditions:
Inborn genetic diseases. Identifiers: MedGen C0950123, MeSH D030342.

Allele frequency attached by ClinVar (database versions not stated): gnomAD 0.00013; 1000 Genomes Project 30x 0.00016; 1000 Genomes Project 0.00020; ESP Exome Variant Server 0.00024; ExAC 0.00029.
gnomAD v4.1: 177 of 1,612,274 alleles (0.011%); highest among the groups gnomAD compares: South Asian, 0.13%; no homozygotes.

Submissions (4):

Women's Health and Genetics/Laboratory Corporation of America, LabCorp
Classification: Uncertain significance. Last evaluated: 2026-05-12. Review status: criteria provided, single submitter. Criteria: LabCorp Variant Classification Summary - May 2015. Collection method: clinical testing. Allele origin: germline.

CeGaT Center for Human Genetics Tuebingen
Classification: Likely benign. Last evaluated: 2025-05-01. Review status: criteria provided, single submitter. Criteria: CeGaT Center For Human Genetics Tuebingen Variant Classification Criteria Version 2. Collection method: clinical testing. Allele origin: germline. Affected: yes. Observed: 2 variant alleles.
Comment: OBSL1: PM2:Supporting, PP3, BS2

Labcorp Genetics (formerly Invitae), Labcorp
Classification: Uncertain significance. Last evaluated: 2022-08-06. Review status: criteria provided, single submitter. Criteria: Invitae Variant Classification Sherloc (09022015). Collection method: clinical testing. Allele origin: germline.
Comment: Algorithms developed to predict the effect of missense changes on protein structure and function are either unavailable or do not agree on the potential impact of this missense change (SIFT: "Deleterious"; PolyPhen-2: "Probably Damaging"; Align-GVGD: "Class C0"). This variant has not been reported in the literature in individuals affected with OBSL1-related conditions. This variant is present in population databases (rs367952566, gnomAD 0.1%). This sequence change replaces arginine, which is basic and polar, with cysteine, which is neutral and slightly polar, at codon 298 of the OBSL1 protein (p.Arg298Cys). In summary, the available evidence is currently insufficient to determine the role of this variant in disease. Therefore, it has been classified as a Variant of Uncertain Significance.

Ambry Genetics
Classification: Uncertain significance for Inborn genetic diseases. Last evaluated: 2022-05-27. Review status: criteria provided, single submitter. Criteria: Ambry Variant Classification Scheme 2023. Collection method: clinical testing. Allele origin: germline.